The following is an entry in ClinVar:

ClinVar aggregate classification (germline): Conflicting classifications of pathogenicity. Review status: criteria provided, conflicting classifications (1 of 4 stars). 6 submissions from 5 submitters: Uncertain significance (5); Likely benign (1). Last evaluated 2026-03-09.

Conditions:
Inborn genetic diseases. Identifiers: MedGen C0950123, MeSH D030342.
Congenital myasthenic syndrome (CMS). Also called: Congenital Myasthenic Syndromes. Identifiers: Orphanet 590, MedGen C0751882, MeSH D020294, MONDO:0018940.
CHRNA1-related disorder. Also called: CHRNA1-related condition.
Lethal multiple pterygium syndrome (LMPS). Identifiers: Orphanet 33108, MedGen C1854678, MONDO:0009668, OMIM 253290.

Allele frequency attached by ClinVar (database versions not stated): ExAC 0.00011; gnomAD exomes 0.00014; ESP Exome Variant Server 0.00015; 1000 Genomes Project 30x 0.00016; gnomAD 0.00019 and 0.00020; 1000 Genomes Project 0.00020; TOPMed 0.00033.

Submissions (6):

PreventionGenetics, part of Exact Sciences
Classification: Uncertain significance for CHRNA1-related condition. Last evaluated: 2026-03-09. Review status: criteria provided, single submitter. Criteria: ACMG Guidelines, 2015. Collection method: clinical testing. Allele origin: germline.
Comment: The CHRNA1 c.1369G>A variant is predicted to result in the amino acid substitution p.Gly457Arg. To our knowledge, this variant has not been reported in the literature. This variant is reported in 0.031% of alleles in individuals of Latino descent in gnomAD. At this time, the clinical significance of this variant is uncertain due to the absence of conclusive functional and genetic evidence.

Labcorp Genetics (formerly Invitae), Labcorp
Classification: Likely benign for Lethal multiple pterygium syndrome. Last evaluated: 2026-01-06. Review status: criteria provided, single submitter. Criteria: Invitae Variant Classification Sherloc (09022015). Collection method: clinical testing. Allele origin: germline.

Ambry Genetics
Classification: Uncertain significance for Inborn genetic diseases. Last evaluated: 2021-08-02. Review status: criteria provided, single submitter. Criteria: Ambry Variant Classification Scheme 2023. Collection method: clinical testing. Allele origin: germline.

Revvity Omics, Revvity
Classification: Uncertain significance. Last evaluated: 2019-10-30. Review status: criteria provided, single submitter. Criteria: ACMG Guidelines, 2015. Collection method: clinical testing. Allele origin: germline.

Illumina Laboratory Services, Illumina
Classification: Uncertain significance for Lethal multiple pterygium syndrome. Last evaluated: 2018-01-13. Review status: criteria provided, single submitter. Criteria: ICSL Variant Classification Criteria 13 December 2019. Collection method: clinical testing. Allele origin: germline.

Illumina Laboratory Services, Illumina
Classification: Uncertain significance for Congenital myasthenic syndrome. Last evaluated: 2018-01-13. Review status: criteria provided, single submitter. Criteria: ICSL Variant Classification Criteria 13 December 2019. Collection method: clinical testing. Allele origin: germline.

NM_000079.4(CHRNA1):c.1294G>A (p.Gly432Arg)

Gene: CHRNA1 (cholinergic receptor nicotinic alpha 1 subunit; minus strand). Cytogenetic location: 2q31.1.
Variant type: single nucleotide variant.
Coding change: c.1294G>A on transcript NM_000079.4 (MANE Select); coding-DNA position 1294, G replaced by A.
Protein change: p.Gly432Arg; replaces glycine 432 with arginine.
Molecular consequence: missense variant.
Genome position (GRCh38, 1-based): chr2:174,748,204, C>T on the plus strand (G>A on the coding strand, the complement: CHRNA1 is on the minus strand). VCF-style: chr2-174748204-C-T. GRCh37 (hg19) VCF-style: chr2-175612932-C-T.
Other names: c.1369G>A, p.Gly457Arg (NM_001039523.3); c.1369G>A (NM_001039523.2); short protein forms G432R, G457R.
Identifiers: ClinVar variation 332436 (VCV000332436.24), dbSNP rs151081792, ClinGen allele CA1974306.